The following is an entry in ClinVar:

ClinVar aggregate classification (germline): Likely pathogenic (1 of 4 stars; one submission).

Conditions:
Dilated cardiomyopathy 1G (CMD1G). Identifiers: Orphanet 154, MedGen C1858763, MONDO:0011400, OMIM 604145.
Autosomal recessive limb-girdle muscular dystrophy type 2J (LGMDR10). Also called: Limb-girdle muscular dystrophy, type 2J; MUSCULAR DYSTROPHY, LIMB-GIRDLE, AUTOSOMAL RECESSIVE 10. Identifiers: Orphanet 140922, MedGen C1837342, MONDO:0012127, OMIM 608807.

Submission:

Labcorp Genetics (formerly Invitae), Labcorp
Classification: Likely pathogenic for Dilated cardiomyopathy 1G; Autosomal recessive limb-girdle muscular dystrophy type 2J. Last evaluated: 2020-10-06. Review status: criteria provided, single submitter. Criteria: Invitae Variant Classification Sherloc (09022015). Collection method: clinical testing. Allele origin: germline.
Comment: In summary, the currently available evidence indicates that the variant is pathogenic, but additional data are needed to prove that conclusively. Therefore, this variant has been classified as Likely Pathogenic. This variant is located in the A band of TTN (PMID: 25589632). Truncating variants in this region are significantly overrepresented in patients affected with dilated cardiomyopathy (PMID: 25589632). Truncating variants in this region have also been reported in individuals affected with autosomal recessive centronuclear myopathy (PMID: 23975875). This variant has not been reported in the literature in individuals with TTN-related conditions. This variant is not present in population databases (ExAC no frequency). This sequence change results in a premature translational stop signal in the TTN gene (p.Tyr28486*). While this is not anticipated to result in nonsense mediated decay, it is expected to create a truncated TTN protein.

Literature cited by the submitters: PubMed 25589632; PubMed 23975875.

NM_001267550.2(TTN):c.85458del (p.Tyr28485_Tyr28486insTer)

Genes: TTN (titin; minus strand), TTN-AS1 (TTN antisense RNA 1; plus strand). Cytogenetic location: 2q31.2.
Variant type: Deletion.
Coding change: c.85458del on transcript NM_001267550.2 (MANE Select); coding-DNA position 85458, one base deleted (C; older notation c.85458delC).
Protein change: p.Tyr28485_Tyr28486insTer.
Molecular consequence: nonsense.
Genome position (GRCh38, 1-based): chr2:178,560,674, G deleted on the plus strand (C on the coding strand, the reverse complement: TTN is on the minus strand). VCF-style (leftmost placement, unchanged base first): chr2-178560673-TG-T. GRCh37 (hg19) VCF-style: chr2-179425400-TG-T.
Other names: c.80535del, p.Tyr26844_Tyr26845insTer (NM_001256850.1); c.58263del, p.Tyr19420_Tyr19421insTer (NM_003319.4); c.77754del, p.Tyr25917_Tyr25918insTer (NM_133378.4); c.58638del, p.Tyr19545_Tyr19546insTer (NM_133432.3); c.58839del, p.Tyr19612_Tyr19613insTer (NM_133437.4).
Identifiers: ClinVar variation 1066899 (VCV001066899.9), dbSNP rs2154158972, ClinGen allele CA2499215341.